The following is an entry in ClinVar:

NM_001999.4(FBN2):c.3548G>C (p.Cys1183Ser)

Gene: FBN2 (fibrillin 2; minus strand). Cytogenetic location: 5q23.3.
Variant type: single nucleotide variant.
Coding change: c.3548G>C on transcript NM_001999.4 (MANE Select); coding-DNA position 3548, G replaced by C.
Protein change: p.Cys1183Ser; replaces cysteine 1183 with serine.
Molecular consequence: missense variant.
Genome position (GRCh38, 1-based): chr5:128,338,047, C>G on the plus strand (G>C on the coding strand, the complement: FBN2 is on the minus strand). VCF-style: chr5-128338047-C-G. GRCh37 (hg19) VCF-style: chr5-127673739-C-G.
Other names: short protein forms C1183S.
Identifiers: ClinVar variation 3645354 (VCV003645354.2).

ClinVar aggregate classification (germline): Likely pathogenic (1 of 4 stars; one submission).

Conditions:
Congenital contractural arachnodactyly (CCA). Also called: BEALS SYNDROME; Arthrogryposis, distal, type 9; Beals-Hecht syndrome. Identifiers: Orphanet 115, MedGen C0220668, MONDO:0007363, OMIM 121050.

Submission:

Labcorp Genetics (formerly Invitae), Labcorp
Classification: Likely pathogenic for Congenital contractural arachnodactyly. Last evaluated: 2024-03-18. Review status: criteria provided, single submitter. Criteria: Invitae Variant Classification Sherloc (09022015). Collection method: clinical testing. Allele origin: germline.
Comment: This sequence change replaces cysteine, which is neutral and slightly polar, with serine, which is neutral and polar, at codon 1183 of the FBN2 protein (p.Cys1183Ser). This variant is not present in population databases (gnomAD no frequency). This variant has not been reported in the literature in individuals affected with FBN2-related conditions. Advanced modeling of protein sequence and biophysical properties (such as structural, functional, and spatial information, amino acid conservation, physicochemical variation, residue mobility, and thermodynamic stability) has been performed at Invitae for this missense variant, however the output from this modeling did not meet the statistical confidence thresholds required to predict the impact of this variant on FBN2 protein function. This variant affects a cysteine residue located within an epidermal growth factor (EGF)–like domain of the FBN2 protein. Cysteine residues in these domains are involved in the formation of disulfide bridges critical for protein structure and stability (PMID: 3495735, 4750422, 16677079). In addition, missense substitutions within the FBN2 EGF-like domains affecting cysteine residues are overrepresented in patients with congenital contractural arachnodactyly (PMID: 18767143). In summary, the currently available evidence indicates that the variant is pathogenic, but additional data are needed to prove that conclusively. Therefore, this variant has been classified as Likely Pathogenic.

Literature cited by the submitters: PubMed 3495735; PubMed 4750422; PubMed 16677079; PubMed 18767143.